The following is an entry in ClinVar:

ClinVar aggregate classification (germline): Uncertain significance (1 of 4 stars; one submission).

Submission:

GeneDx
Classification: Uncertain significance. Last evaluated: 2023-11-20. Review status: criteria provided, single submitter. Criteria: GeneDx Variant Classification Process June 2021. Collection method: clinical testing. Allele origin: germline. Affected: yes.
Comment: Not observed at significant frequency in large population cohorts (gnomAD); In silico analysis supports that this missense variant does not alter protein structure/function; Has not been previously published as pathogenic or benign to our knowledge

NM_144573.4(NEXN):c.538A>C (p.Lys180Gln)

Gene: NEXN (nexilin F-actin binding protein; plus strand). Cytogenetic location: 1p31.1.
Variant type: single nucleotide variant.
Coding change: c.538A>C on transcript NM_144573.4 (MANE Select); coding-DNA position 538, A replaced by C.
Protein change: p.Lys180Gln; replaces lysine 180 with glutamine.
Molecular consequence: missense variant.
Genome position (GRCh38, 1-based): chr1:77,926,462, A>C. VCF-style: chr1-77926462-A-C. GRCh37 (hg19) VCF-style: chr1-78392147-A-C.
Other names: c.346A>C, p.Lys116Gln (NM_001172309.2); short protein forms K116Q, K180Q.
Identifiers: ClinVar variation 3364596 (VCV003364596.1).
Genomic context (GRCh38, chr1:77,926,462, plus strand): 5'-TTTATAAAATAGGAAGGAGATGATTCACTACTTATAACTGTGGTACCTGTCAAATCATAT[A>C]AAACATCTGGAAAAATGAAAAAGAATTTTGAGGATCTAGAAAAAGAACGTGAAGAGAAAG-3'
Protein context (NP_653174.3, residues 170-190): LITVVPVKSY[Lys180Gln]TSGKMKKNFE